The following is an entry in ClinVar:

NM_001040142.2(SCN2A):c.5543G>C (p.Ser1848Thr)

Gene: SCN2A (sodium voltage-gated channel alpha subunit 2; plus strand). Cytogenetic location: 2q24.3.
Variant type: single nucleotide variant.
Coding change: c.5543G>C on transcript NM_001040142.2 (MANE Select); coding-DNA position 5543, G replaced by C.
Protein change: p.Ser1848Thr; replaces serine 1848 with threonine.
Molecular consequence: missense variant.
Genome position (GRCh38, 1-based): chr2:165,389,349, G>C. VCF-style: chr2-165389349-G-C. GRCh37 (hg19) VCF-style: chr2-166245859-G-C.
Other names: c.5543G>C (NM_021007.2); c.5543G>C, p.Ser1848Thr (NM_001040143.2, NM_001371246.1, NM_001371247.1 and 1 more transcripts); short protein forms S1848T.
Identifiers: ClinVar variation 4792470 (VCV004792470.2).

ClinVar aggregate classification (germline): Uncertain significance. Review status: criteria provided, multiple submitters, no conflicts (2 of 4 stars). 2 submissions from 2 submitters: Uncertain significance (2). Last evaluated 2026-03-12.

Conditions:
Developmental and epileptic encephalopathy, 11 (DEE11). Also called: Early infantile epileptic encephalopathy 11. Identifiers: Orphanet 1934, MedGen C3150987, MONDO:0013388, OMIM 613721.
Seizures, benign familial infantile, 3 (BFIS3). Also called: Familial neonatal seizures; CONVULSIONS, BENIGN FAMILIAL INFANTILE, 3. Identifiers: Orphanet 140927, Orphanet 306, MedGen C1843140, MONDO:0011904, OMIM 607745.
Inborn genetic diseases. Identifiers: MedGen C0950123, MeSH D030342.

gnomAD v4.1: 1 of 1,613,958 alleles (0.000062%); highest among the groups gnomAD compares: East Asian, 0.0022%; no homozygotes.

Submissions (2):

Ambry Genetics
Classification: Uncertain significance for Inborn genetic diseases. Last evaluated: 2026-03-12. Review status: criteria provided, single submitter. Criteria: Ambry Variant Classification Scheme 2023. Collection method: clinical testing. Allele origin: germline.
Comment: The c.5543G>C (p.S1848T) alteration is located in exon 27 (coding exon 26) of the SCN2A gene. This alteration results from a G to C substitution at nucleotide position 5543, causing the serine (S) at amino acid position 1848 to be replaced by a threonine (T). Based on data from gnomAD, the C allele has an overall frequency of <0.001% (1/251096) total alleles studied. The highest observed frequency was 0.005% (1/18386) of East Asian alleles. Based on insufficient or conflicting evidence, the clinical significance of this alteration remains unclear.

Labcorp Genetics (formerly Invitae), Labcorp
Classification: Uncertain significance for Seizures, benign familial infantile, 3; Developmental and epileptic encephalopathy, 11. Last evaluated: 2025-03-19. Review status: criteria provided, single submitter. Criteria: Invitae Variant Classification Sherloc (09022015). Collection method: clinical testing. Allele origin: germline.
Comment: This sequence change replaces serine, which is neutral and polar, with threonine, which is neutral and polar, at codon 1848 of the SCN2A protein (p.Ser1848Thr). This variant is present in population databases (no rsID available, gnomAD 0.006%). This variant has not been reported in the literature in individuals affected with SCN2A-related conditions. Invitae Evidence Modeling of protein sequence and biophysical properties (such as structural, functional, and spatial information, amino acid conservation, physicochemical variation, residue mobility, and thermodynamic stability) indicates that this missense variant is expected to disrupt SCN2A protein function with a positive predictive value of 80%. In summary, the available evidence is currently insufficient to determine the role of this variant in disease. Therefore, it has been classified as a Variant of Uncertain Significance.